The following is an entry in ClinVar:

NM_015164.4(PLEKHM2):c.3001G>A (p.Ala1001Thr)

Gene: PLEKHM2 (pleckstrin homology and RUN domain containing M2; plus strand). Cytogenetic location: 1p36.21.
Variant type: single nucleotide variant.
Coding change: c.3001G>A on transcript NM_015164.4 (MANE Select); coding-DNA position 3001, G replaced by A.
Protein change: p.Ala1001Thr; replaces alanine 1001 with threonine.
Molecular consequence: missense variant.
Genome position (GRCh38, 1-based): chr1:15,733,875, G>A. VCF-style: chr1-15733875-G-A. GRCh37 (hg19) VCF-style: chr1-16060370-G-A.
Other names: short protein forms A1001T.
Identifiers: ClinVar variation 1448397 (VCV001448397.8), dbSNP rs1448543905, ClinGen allele CA338576521.

ClinVar aggregate classification (germline): Uncertain significance (1 of 4 stars; one submission).

Allele frequency attached by ClinVar (database versions not stated): gnomAD 0.00001; gnomAD exomes 0.00001; TOPMed 0.00002.
gnomAD v4.1: 14 of 1,612,880 alleles (0.00087%); highest among the groups gnomAD compares: African/African-American, 0.0013%; no homozygotes.

Submission:

Labcorp Genetics (formerly Invitae), Labcorp
Classification: Uncertain significance. Last evaluated: 2025-02-05. Review status: criteria provided, single submitter. Criteria: Invitae Variant Classification Sherloc (09022015). Collection method: clinical testing. Allele origin: germline.
Comment: This sequence change replaces alanine, which is neutral and non-polar, with threonine, which is neutral and polar, at codon 1001 of the PLEKHM2 protein (p.Ala1001Thr). The frequency data for this variant in the population databases is considered unreliable, as metrics indicate poor data quality at this position in the gnomAD database. This variant has not been reported in the literature in individuals affected with PLEKHM2-related conditions. ClinVar contains an entry for this variant (Variation ID: 1448397). An algorithm developed to predict the effect of missense changes on protein structure and function (PolyPhen-2) suggests that this variant is likely to be tolerated. In summary, the available evidence is currently insufficient to determine the role of this variant in disease. Therefore, it has been classified as a Variant of Uncertain Significance.